The following is an entry in ClinVar:

NM_000130.5(F5):c.5022A>G (p.Gly1674=)

Gene: F5 (coagulation factor V; minus strand). Cytogenetic location: 1q24.2.
Variant type: single nucleotide variant.
Coding change: c.5022A>G on transcript NM_000130.5 (MANE Select); coding-DNA position 5022, A replaced by G.
Protein change: p.Gly1674=; no amino-acid change (glycine 1674 retained).
Molecular consequence: synonymous variant.
Genome position (GRCh38, 1-based): chr1:169,530,972, T>C on the plus strand (A>G on the coding strand, the complement: F5 is on the minus strand). VCF-style: chr1-169530972-T-C. GRCh37 (hg19) VCF-style: chr1-169500210-T-C.
Other names: p.Gly1674=.
Identifiers: ClinVar variation 293591 (VCV000293591.14), dbSNP rs6010, ClinGen allele CA1233588.

ClinVar aggregate classification (germline): Benign/Likely benign. Review status: criteria provided, multiple submitters, no conflicts (2 of 4 stars). 8 submissions from 6 submitters: Benign (6); Likely benign (2). Last evaluated 2026-02-04.

Conditions:
Budd-Chiari syndrome (BDCHS). Also called: Hepatic vein obstruction. Identifiers: Orphanet 131, MedGen C0856761, MONDO:0010947, OMIM 600880, HP:0002639.
Factor V deficiency. Also called: Reduced coagulation factor V activity. Identifiers: Orphanet 326, MedGen C4317320, MONDO:0020586, HP:0003225.
Thrombophilia due to thrombin defect (THPH1). Also called: Thrombosis susceptibility; THROMBOPHILIA DUE TO FACTOR 2 DEFECT; Prothrombin-Related Thrombophilia (Factor II); Prothrombin Thrombophilia. Identifiers: MedGen C3160733, MONDO:0008559, OMIM 188050. Disease mechanism: gain of function, loss of function.
Congenital factor V deficiency. Also called: LABILE FACTOR DEFICIENCY; OWREN PARAHEMOPHILIA; PARAHEMOPHILIA; Hereditary factor V deficiency disease. Identifiers: Orphanet 326, MedGen C0015499, MONDO:0009210, OMIM 227400.

Allele frequency attached by ClinVar (database versions not stated): ESP Exome Variant Server 0.03983; gnomAD 0.04908 and 0.05295; gnomAD exomes 0.05028 and 0.07893; TOPMed 0.06166; ExAC 0.07406; 1000 Genomes Project 30x 0.09432; 1000 Genomes Project 0.09744.
gnomAD v4.1: 81,862 of 1,613,602 alleles (5.1%); highest among the groups gnomAD compares: Admixed American, 18%; 3,322 homozygotes.

Submissions (8):

Labcorp Genetics (formerly Invitae), Labcorp
Classification: Benign for Congenital factor V deficiency. Last evaluated: 2026-02-04. Review status: criteria provided, single submitter. Criteria: Invitae Variant Classification Sherloc (09022015). Collection method: clinical testing. Allele origin: germline.

Blueprint Genetics
Classification: Likely benign. Last evaluated: 2024-11-26. Review status: criteria provided, single submitter. Criteria: ACMG Guidelines, 2015. Collection method: clinical testing. Allele origin: germline.

GeneDx
Classification: Benign. Last evaluated: 2018-11-11. Review status: criteria provided, single submitter. Criteria: GeneDx Variant Classification Process June 2021. Collection method: clinical testing. Allele origin: germline. Affected: yes.

Illumina Laboratory Services, Illumina
Classification: Benign for Congenital factor V deficiency. Last evaluated: 2018-01-12. Review status: criteria provided, single submitter. Criteria: ICSL Variant Classification Criteria 13 December 2019. Collection method: clinical testing. Allele origin: germline.
Comment: This variant was observed in the ICSL laboratory as part of a predisposition screen in an ostensibly healthy population. It had not been previously curated by ICSL or reported in the Human Gene Mutation Database (HGMD: prior to June 1st, 2018), and was therefore a candidate for classification through an automated scoring system. Utilizing variant allele frequency, disease prevalence and penetrance estimates, and inheritance mode, an automated score was calculated to assess if this variant is too frequent to cause the disease. Based on the score and internal cut-off values, a variant classified as benign is not then subjected to further curation. The score for this variant resulted in a classification of benign for this disease.

Illumina Laboratory Services, Illumina
Classification: Benign for Budd-Chiari syndrome. Last evaluated: 2018-01-12. Review status: criteria provided, single submitter. Criteria: ICSL Variant Classification Criteria 13 December 2019. Collection method: clinical testing. Allele origin: germline.
Comment: the same text as in the submission from Illumina Laboratory Services, Illumina above.

Illumina Laboratory Services, Illumina
Classification: Benign for Venous thrombosis. Last evaluated: 2018-01-12. Review status: criteria provided, single submitter. Criteria: ICSL Variant Classification Criteria 13 December 2019. Collection method: clinical testing. Allele origin: germline.
Comment: the same text as in the submission from Illumina Laboratory Services, Illumina above.

Mayo Clinic Laboratories, Mayo Clinic
Classification: Benign. Last evaluated: 2016-05-26. Review status: criteria provided, single submitter. Criteria: ACMG Guidelines, 2015. Collection method: clinical testing. Allele origin: germline. Observed: 19 variant alleles.

Breakthrough Genomics
Classification: Likely benign. Review status: criteria provided, single submitter. Criteria: ACMG Guidelines, 2015. Collection method: not provided. Allele origin: germline. Inheritance: Autosomal recessive inheritance. Affected: yes.